The following is an entry in ClinVar:

ClinVar aggregate classification (germline): Uncertain significance (1 of 4 stars; one submission).

Allele frequency attached by ClinVar (database versions not stated): gnomAD exomes below 0.00001.
gnomAD v4.1: 1 of 1,614,210 alleles (0.000062%); highest among the groups gnomAD compares: Non-Finnish European, 0.000085%; no homozygotes.

Submission:

Ambry Genetics
Classification: Uncertain significance. Last evaluated: 2023-09-17. Review status: criteria provided, single submitter. Criteria: Ambry Variant Classification Scheme 2023. Collection method: clinical testing. Allele origin: germline.
Comment: The p.N862D variant (also known as c.2584A>G), located in coding exon 13 of the NPAT gene, results from an A to G substitution at nucleotide position 2584. The asparagine at codon 862 is replaced by aspartic acid, an amino acid with highly similar properties. This amino acid position is conserved. In addition, this alteration is predicted to be tolerated by in silico analysis. Since supporting evidence is limited at this time, the clinical significance of this alteration remains unclear.

NM_002519.3(NPAT):c.2584A>G (p.Asn862Asp)

Gene: NPAT (nuclear protein, coactivator of histone transcription; minus strand). Cytogenetic location: 11q22.3.
Variant type: single nucleotide variant.
Coding change: c.2584A>G on transcript NM_002519.3 (MANE Select); coding-DNA position 2584, A replaced by G.
Protein change: p.Asn862Asp; replaces asparagine 862 with aspartic acid.
Molecular consequence: missense variant.
Genome position (GRCh38, 1-based): chr11:108,172,400, T>C on the plus strand (A>G on the coding strand, the complement: NPAT is on the minus strand). VCF-style: chr11-108172400-T-C. GRCh37 (hg19) VCF-style: chr11-108043127-T-C.
Other names: c.2584A>G, p.Asn862Asp (NM_001321307.1); short protein forms N862D.
Identifiers: ClinVar variation 3222544 (VCV003222544.1), dbSNP rs1335655024, ClinGen allele CA382512664.
Genomic context (GRCh38, chr11:108,172,400, plus strand): 5'-CAGATGTTCCTAACGCTGTTGGATCAGTCACACAGGTAGCTATCAGAATGTTATTTGAAT[T>C]GCCAAAAGCTGTGCTTGTGGCTGGCATCAACTGTATATATCCTCCATCCTTGGAAACACA-3'
Protein context (NP_002510.2, residues 852-872): LMPATSTAFG[Asn862Asp]SNNILIATCV